The following is an entry in ClinVar:

NM_000051.4(ATM):c.246A>G (p.Val82=)

Gene: ATM (ATM serine/threonine kinase; plus strand). Cytogenetic location: 11q22.3.
Variant type: single nucleotide variant.
Coding change: c.246A>G on transcript NM_000051.4 (MANE Select); coding-DNA position 246, A replaced by G.
Protein change: p.Val82=; no amino-acid change (valine 82 retained).
Molecular consequence: synonymous variant.
Genome position (GRCh38, 1-based): chr11:108,229,238, A>G. VCF-style: chr11-108229238-A-G. GRCh37 (hg19) VCF-style: chr11-108099965-A-G.
Other names: c.246A>G, p.Val82= (NM_001351834.2, NM_001351835.2, NM_001351836.2).
Identifiers: ClinVar variation 230836 (VCV000230836.18), dbSNP rs757944864, ClinGen allele CA6264540.
Genomic context (GRCh38, chr11:108,229,238, plus strand): 5'-ATTTTTACAGAAATATATTCAGAAAGAAACAGAATGTCTGAGAATAGCAAAACCAAATGT[A>G]TCAGCCTCAACACAAGCCTCCAGGCAGAAAAAGATGCAGGAAATCAGTAGTTTGGTCAAA-3'
Protein context (NP_000042.3, residues 72-92): TECLRIAKPN[Val82=]SASTQASRQK

ClinVar aggregate classification (germline): Benign/Likely benign. Review status: criteria provided, multiple submitters, no conflicts (2 of 4 stars). 5 submissions from 5 submitters: Benign (1); Likely benign (4). Last evaluated 2025-11-17.

Conditions:
Hereditary cancer-predisposing syndrome. Also called: Hereditary Cancer Syndrome; Neoplastic Syndromes, Hereditary; Tumor predisposition; Hereditary neoplastic syndrome. Identifiers: Orphanet 140162, MedGen C0027672, MeSH D009386, MONDO:0015356.
Familial cancer of breast. Also called: Hereditary breast cancer; hereditary breast carcinoma; BREAST CANCER, FAMILIAL. Identifiers: Orphanet 227535, MedGen C0346153, MONDO:0016419, OMIM 114480. Disease mechanism: loss of function.
Ataxia-telangiectasia syndrome (AT). Also called: Ataxia telangiectasia (A-T); Ataxia-telangiectasia, complementation group E; LOUIS-BAR SYNDROME; Cerebello-oculocutaneous telangiectasia; Immunodeficiency with ataxia telangiectasia; Ataxia-telangiectasia, complementation group D. Identifiers: Orphanet 100, MedGen C0004135, MONDO:0008840, OMIM 208900.

Allele frequency attached by ClinVar (database versions not stated): gnomAD exomes below 0.00001 and 0.00001; TOPMed below 0.00001; ExAC 0.00001; gnomAD 0.00001.
gnomAD v4.1: 5 of 1,613,652 alleles (0.00031%); highest among the groups gnomAD compares: Non-Finnish European, 0.00034%; no homozygotes.

Submissions (5):

Labcorp Genetics (formerly Invitae), Labcorp
Classification: Likely benign for Ataxia-telangiectasia syndrome. Last evaluated: 2025-11-17. Review status: criteria provided, single submitter. Criteria: Invitae Variant Classification Sherloc (09022015). Collection method: clinical testing. Allele origin: germline.

Myriad Genetics, Inc.
Classification: Benign for Familial cancer of breast. Last evaluated: 2024-04-18. Review status: criteria provided, single submitter. Criteria: Myriad Autosomal Dominant, Autosomal Recessive and X-Linked Classification Criteria (2023). Collection method: clinical testing. Allele origin: unknown.
Comment: This variant is considered benign. This variant is a silent/synonymous amino acid change and it is not expected to impact splicing.

GeneDx
Classification: Likely benign. Last evaluated: 2016-10-11. Review status: criteria provided, single submitter. Criteria: GeneDx Variant Classification (06012015). Collection method: clinical testing. Allele origin: germline. Affected: yes.
Comment: This variant is considered likely benign or benign based on one or more of the following criteria: it is a conservative change, it occurs at a poorly conserved position in the protein, it is predicted to be benign by multiple in silico algorithms, and/or has population frequency not consistent with disease.

Color Diagnostics, LLC DBA Color Health
Classification: Likely benign for Hereditary cancer-predisposing syndrome. Last evaluated: 2016-04-27. Review status: criteria provided, single submitter. Criteria: ACMG Guidelines, 2015. Collection method: clinical testing. Allele origin: germline.

Ambry Genetics
Classification: Likely benign for Hereditary cancer-predisposing syndrome. Last evaluated: 2015-03-12. Review status: criteria provided, single submitter. Criteria: Ambry Variant Classification Scheme 2023. Collection method: clinical testing. Allele origin: germline.